The following is an entry in ClinVar:

NM_014918.5(CHSY1):c.158C>T (p.Ala53Val)

Genes: CHSY1 (chondroitin sulfate synthase 1; minus strand), LOC130058068 (ATAC-STARR-seq lymphoblastoid silent region 6885; plus strand). Cytogenetic location: 15q26.3.
Variant type: single nucleotide variant.
Coding change: c.158C>T on transcript NM_014918.5 (MANE Select); coding-DNA position 158, C replaced by T.
Protein change: p.Ala53Val; replaces alanine 53 with valine.
Molecular consequence: missense variant.
Genome position (GRCh38, 1-based): chr15:101,251,299, G>A on the plus strand (C>T on the coding strand, the complement: CHSY1 is on the minus strand). VCF-style: chr15-101251299-G-A. GRCh37 (hg19) VCF-style: chr15-101791504-G-A.
Other names: short protein forms A53V.
Identifiers: ClinVar variation 1026056 (VCV001026056.10), dbSNP rs2039108667, ClinGen allele CA393971406.
Genomic context (GRCh38, chr15:101,251,299, plus strand): 5'-GGCGGCCAGAGCTGCGCCCCGCGCGCATCGCCGCGCGCCCCGCCGGCCTGGGAAGCCGCC[G>A]CCTGCCCGGACCGGCAGCCCTCGGGGCTGGCGCGGCGCCGTGGGCCCGCTCGCTTCAGCT-3'
Protein context (NP_055733.2, residues 43-63): ASPEGCRSGQ[Ala53Val]AASQAGGARG

ClinVar aggregate classification (germline): Uncertain significance (1 of 4 stars; one submission).

Conditions:
Temtamy preaxial brachydactyly syndrome (TPBS). Identifiers: Orphanet 363417, MedGen C1854466, MONDO:0011533, OMIM 605282.

Allele frequency attached by ClinVar (database versions not stated): gnomAD exomes below 0.00001.
gnomAD v4.1: 1 of 1,199,722 alleles (0.000083%); highest among the groups gnomAD compares: Non-Finnish European, 0.0001%; no homozygotes.

Submission:

Labcorp Genetics (formerly Invitae), Labcorp
Classification: Uncertain significance for Temtamy preaxial brachydactyly syndrome. Last evaluated: 2020-02-04. Review status: criteria provided, single submitter. Criteria: Invitae Variant Classification Sherloc (09022015). Collection method: clinical testing. Allele origin: germline.
Comment: This sequence change replaces alanine with valine at codon 53 of the CHSY1 protein (p.Ala53Val). The alanine residue is weakly conserved and there is a small physicochemical difference between alanine and valine. The frequency data for this variant in the population databases is considered unreliable, as metrics indicate insufficient coverage at this position in the ExAC database. This variant has not been reported in the literature in individuals with CHSY1-related conditions. Algorithms developed to predict the effect of missense changes on protein structure and function (SIFT, PolyPhen-2, Align-GVGD) all suggest that this variant is likely to be tolerated, but these predictions have not been confirmed by published functional studies and their clinical significance is uncertain. Algorithms developed to predict the effect of sequence changes on RNA splicing suggest that this variant may create or strengthen a splice site, but this prediction has not been confirmed by published transcriptional studies. In summary, the available evidence is currently insufficient to determine the role of this variant in disease. Therefore, it has been classified as a Variant of Uncertain Significance.